The following is an entry in ClinVar:

ClinVar aggregate classification (germline): Pathogenic (1 of 4 stars; one submission).

Conditions:
Kennedy disease (SMAX1). Also called: SPINAL AND BULBAR MUSCULAR ATROPHY, X-LINKED 1; KENNEDY SPINAL AND BULBAR MUSCULAR ATROPHY; Spinal and Bulbar Muscular Atrophy. Identifiers: Orphanet 481, MedGen C1839259, MONDO:0010735, OMIM 313200.
Androgen resistance syndrome (AIS). Also called: ANDROGEN RECEPTOR DEFICIENCY; DIHYDROTESTOSTERONE RECEPTOR DEFICIENCY; TESTICULAR FEMINIZATION SYNDROME; Androgen insensitivity, complete; Androgen insensitivity syndrome due to coactivator deficiency; Androgen insensitivity syndrome. Identifiers: Orphanet 754, Orphanet 99429, MedGen C0039585, MONDO:0019154, OMIM 300068. Disease mechanism: loss of function.

Submission:

Labcorp Genetics (formerly Invitae), Labcorp
Classification: Pathogenic for Kennedy disease; Androgen resistance syndrome. Last evaluated: 2024-01-07. Review status: criteria provided, single submitter. Criteria: Invitae Variant Classification Sherloc (09022015). Collection method: clinical testing. Allele origin: germline.
Comment: This sequence change creates a premature translational stop signal (p.Glu187*) in the AR gene. It is expected to result in an absent or disrupted protein product. Loss-of-function variants in AR are known to be pathogenic (PMID: 19463997). This variant is not present in population databases (gnomAD no frequency). This variant has not been reported in the literature in individuals affected with AR-related conditions. For these reasons, this variant has been classified as Pathogenic.

Literature cited by the submitters: PubMed 19463997.

NM_000044.6(AR):c.559G>T (p.Glu187Ter)

Gene: AR (androgen receptor; plus strand). Cytogenetic location: Xq12.
Variant type: single nucleotide variant.
Coding change: c.559G>T on transcript NM_000044.6 (MANE Select); coding-DNA position 559, G replaced by T.
Protein change: p.Glu187Ter; replaces glutamic acid 187 with a stop codon.
Molecular consequence: nonsense. On other transcripts: 5 prime UTR variant (1).
Genome position (GRCh38, 1-based): chrX:67,545,705, G>T. VCF-style: chrX-67545705-G-T. GRCh37 (hg19) VCF-style: chrX-66765547-G-T.
Other names: c.-1225G>T (NM_001011645.3); c.559G>T, p.Glu187Ter (NM_001348061.1, NM_001348063.1, NM_001348064.1 and 1 more transcripts); short protein forms E187*.
Identifiers: ClinVar variation 2922012 (VCV002922012.3), dbSNP rs770236437, ClinGen allele CA413425143.